The following is an entry in ClinVar:

ClinVar aggregate classification (germline): Uncertain significance (1 of 4 stars; one submission).

gnomAD v4.1: 1 of 1,612,856 alleles (0.000062%); highest among the groups gnomAD compares: Non-Finnish European, 0.000085%; no homozygotes.

Submission:

GeneDx
Classification: Uncertain significance. Last evaluated: 2024-10-10. Review status: criteria provided, single submitter. Criteria: GeneDx Variant Classification Process June 2021. Collection method: clinical testing. Allele origin: germline. Affected: yes.
Comment: Not observed at significant frequency in large population cohorts (gnomAD); In silico analysis supports that this missense variant has a deleterious effect on protein structure/function; Has not been previously published as pathogenic or benign to our knowledge

NM_001256627.2(BRSK2):c.1543G>C (p.Glu515Gln)

Gene: BRSK2 (BR serine/threonine kinase 2; plus strand). Cytogenetic location: 11p15.5.
Variant type: single nucleotide variant.
Coding change: c.1543G>C on transcript NM_001256627.2 (MANE Select); coding-DNA position 1543, G replaced by C.
Protein change: p.Glu515Gln; replaces glutamic acid 515 with glutamine.
Molecular consequence: missense variant. On other transcripts: non-coding transcript variant (1).
Genome position (GRCh38, 1-based): chr11:1,451,418, G>C. VCF-style: chr11-1451418-G-C. GRCh37 (hg19) VCF-style: chr11-1472648-G-C.
Other names: c.1543G>C, p.Glu515Gln (NM_001256629.2, NM_003957.4); c.1681G>C, p.Glu561Gln (NM_001256630.1); c.1363G>C, p.Glu455Gln (NM_001282218.2); short protein forms E515Q, E561Q, E455Q.
Identifiers: ClinVar variation 3781108 (VCV003781108.1).